The following is an entry in ClinVar:

NM_004752.4(GCM2):c.607G>A (p.Gly203Ser)

Gene: GCM2 (glial cells missing transcription factor 2; minus strand). Cytogenetic location: 6p24.2.
Variant type: single nucleotide variant.
Coding change: c.607G>A on transcript NM_004752.4 (MANE Select); coding-DNA position 607, G replaced by A.
Protein change: p.Gly203Ser; replaces glycine 203 with serine.
Molecular consequence: missense variant.
Genome position (GRCh38, 1-based): chr6:10,874,909, C>T on the plus strand (G>A on the coding strand, the complement: GCM2 is on the minus strand). VCF-style: chr6-10874909-C-T. GRCh37 (hg19) VCF-style: chr6-10875142-C-T.
Other names: short protein forms G203S.
Identifiers: ClinVar variation 355013 (VCV000355013.11), dbSNP rs7744163, ClinGen allele CA3634018.

ClinVar aggregate classification (germline): Benign/Likely benign. Review status: criteria provided, multiple submitters, no conflicts (2 of 4 stars). 4 submissions from 4 submitters: Benign (2); Likely benign (2). Last evaluated 2026-02-01.

Conditions:
Familial hypoparathyroidism. Also called: Familial isolated hypoparathyroidism. Identifiers: Orphanet 2238, MedGen C1832648, MONDO:0016390.

Allele frequency attached by ClinVar (database versions not stated): gnomAD exomes 0.00315 and 0.00796; ExAC 0.01001; gnomAD 0.02835 and 0.03045; 1000 Genomes Project 0.03115; TOPMed 0.03201; ESP Exome Variant Server 0.03260; 1000 Genomes Project 30x 0.03357.

Submissions (4):

Labcorp Genetics (formerly Invitae), Labcorp
Classification: Benign. Last evaluated: 2026-02-01. Review status: criteria provided, single submitter. Criteria: Invitae Variant Classification Sherloc (09022015). Collection method: clinical testing. Allele origin: germline.

GeneDx
Classification: Benign. Last evaluated: 2021-05-04. Review status: criteria provided, single submitter. Criteria: GeneDx Variant Classification Process June 2021. Collection method: clinical testing. Allele origin: germline. Affected: yes.

Illumina Laboratory Services, Illumina
Classification: Likely benign for Hypoparathyroidism, familial isolated 1. Last evaluated: 2017-04-27. Review status: criteria provided, single submitter. Criteria: ICSL Variant Classification Criteria 13 December 2019. Collection method: clinical testing. Allele origin: germline.
Comment: This variant was observed as part of a predisposition screen in an ostensibly healthy population. A literature search was performed for the gene, cDNA change, and amino acid change (where applicable). Publications were found based on this search. The evidence from the literature, in combination with allele frequency data from public databases where available, was sufficient to determine this variant is unlikely to cause disease. Therefore, this variant is classified as likely benign.

Breakthrough Genomics
Classification: Likely benign. Review status: criteria provided, single submitter. Criteria: ACMG Guidelines, 2015. Collection method: not provided. Allele origin: germline. Inheritance: Autosomal recessive inheritance. Affected: yes.

Literature cited by the submitters: PubMed 18182452 (cited by Illumina Laboratory Services, Illumina).